The following is an entry in ClinVar:

ClinVar aggregate classification (germline): Uncertain significance (1 of 4 stars; one submission).

Conditions:
Spermatogenic failure 56. Identifiers: MedGen C5561978, MONDO:0030430, OMIM 619515.

Submission:

Juno Genomics, Hangzhou Juno Genomics, Inc
Classification: Uncertain significance for Spermatogenic failure 56. Review status: criteria provided, single submitter. Criteria: ACMG Guidelines, 2015. Collection method: clinical testing. Allele origin: germline.
Comment: Absent from controls (or at extremely low frequency if recessive) in Genome Aggregation Database.;Missense variant in a gene that has a low rate of benign missense variation.;Multiple lines of computational evidence support a deleterious effect on the gene or gene product.

NM_001372106.1(DNAH10):c.10549C>G (p.Leu3517Val)

Gene: DNAH10 (dynein axonemal heavy chain 10; plus strand). Cytogenetic location: 12q24.31.
Variant type: single nucleotide variant.
Coding change: c.10549C>G on transcript NM_001372106.1 (MANE Select); coding-DNA position 10549, C replaced by G.
Protein change: p.Leu3517Val; replaces leucine 3517 with valine.
Molecular consequence: missense variant.
Genome position (GRCh38, 1-based): chr12:123,914,525, C>G. VCF-style: chr12-123914525-C-G. GRCh37 (hg19) VCF-style: chr12-124399072-C-G.
Other names: c.10195C>G, p.Leu3399Val (NM_207437.3); short protein forms L3517V, L3399V.
Identifiers: ClinVar variation 5005062 (VCV005005062.2).